The following is an entry in ClinVar:

NM_000238.4(KCNH2):c.76+6T>C

Gene: KCNH2 (potassium voltage-gated channel subfamily H member 2; minus strand). Cytogenetic location: 7q36.1.
Variant type: single nucleotide variant.
Coding change: c.76+6T>C on transcript NM_000238.4 (MANE Select); 6 bases into the intron after coding-DNA position 76, T replaced by C.
Molecular consequence: intron variant.
Genome position (GRCh38, 1-based): chr7:150,977,832, A>G on the plus strand (T>C on the coding strand, the complement: KCNH2 is on the minus strand). VCF-style: chr7-150977832-A-G. GRCh37 (hg19) VCF-style: chr7-150674920-A-G.
Other names: c.76+6T>C (NM_172056.3).
Identifiers: ClinVar variation 2810516 (VCV002810516.3), dbSNP rs1388975709, ClinGen allele CA2685607271.
Genomic context (GRCh38, chr7:150,977,832, plus strand): 5'-CCACACTCGGAAGAGCTCGGCCCGCCCCCAGAGCCCCCTCCCCGCTCAGCCCCCTCCCCC[A>G]CTCACTCTGGCCCTCAAACTTGCGGATGATGGTGTCCAGGAAGGTGTTCTGCGGCGCGAC-3'

ClinVar aggregate classification (germline): Uncertain significance (1 of 4 stars; one submission).

Conditions:
Long QT syndrome (LQTS). Identifiers: MedGen C0023976, MeSH D008133, MONDO:0002442. Disease mechanism: loss of function. Inheritance: Various modes of inheritance.

Submission:

Labcorp Genetics (formerly Invitae), Labcorp
Classification: Uncertain significance for Long QT syndrome. Last evaluated: 2022-10-29. Review status: criteria provided, single submitter. Criteria: Invitae Variant Classification Sherloc (09022015). Collection method: clinical testing. Allele origin: germline.
Comment: In summary, the available evidence is currently insufficient to determine the role of this variant in disease. Therefore, it has been classified as a Variant of Uncertain Significance. Variants that disrupt the consensus splice site are a relatively common cause of aberrant splicing (PMID: 17576681, 9536098). Algorithms developed to predict the effect of sequence changes on RNA splicing suggest that this variant is not likely to affect RNA splicing. This variant has not been reported in the literature in individuals affected with KCNH2-related conditions. This variant is not present in population databases (gnomAD no frequency). This sequence change falls in intron 1 of the KCNH2 gene. It does not directly change the encoded amino acid sequence of the KCNH2 protein. It affects a nucleotide within the consensus splice site.

Literature cited by the submitters: PubMed 17576681; PubMed 9536098.